The following is an entry in ClinVar:

NM_001191057.4(PDE1C):c.1477C>G (p.Pro493Ala)

Gene: PDE1C (phosphodiesterase 1C; minus strand). Cytogenetic location: 7p14.3.
Variant type: single nucleotide variant.
Coding change: c.1477C>G on transcript NM_001191057.4 (MANE Select); coding-DNA position 1477, C replaced by G.
Protein change: p.Pro493Ala; replaces proline 493 with alanine.
Molecular consequence: missense variant.
Genome position (GRCh38, 1-based): chr7:31,823,178, G>C on the plus strand (C>G on the coding strand, the complement: PDE1C is on the minus strand). VCF-style: chr7-31823178-G-C. GRCh37 (hg19) VCF-style: chr7-31862792-G-C.
Other names: c.1477C>G, p.Pro493Ala (NM_001191056.3, NM_001191059.4, NM_001322055.2 and 3 more transcripts); c.1657C>G, p.Pro553Ala (NM_001191058.4, NM_001322058.2); c.1882C>G, p.Pro628Ala (NM_001322059.2); short protein forms P493A, P628A, P553A.
Identifiers: ClinVar variation 4997559 (VCV004997559.1).

ClinVar aggregate classification (germline): Uncertain significance (1 of 4 stars; one submission).

Conditions:
PDE1C-related disorder. Also called: PDE1C-related condition.

gnomAD v4.1: 4 of 1,613,226 alleles (0.00025%); highest among the groups gnomAD compares: Admixed American, 0.0017%; no homozygotes.

Submission:

PreventionGenetics, part of Exact Sciences
Classification: Uncertain significance for PDE1C-related condition. Last evaluated: 2025-10-07. Review status: criteria provided, single submitter. Criteria: ACMG Guidelines, 2015. Collection method: clinical testing. Allele origin: germline.
Comment: The PDE1C c.1657C>G variant is predicted to result in the amino acid substitution p.Pro553Ala. To our knowledge, this variant has not been reported in the literature or in a large population database (gnomAD), indicating this variant is rare. At this time, the clinical significance of this variant is uncertain due to the absence of conclusive functional and genetic evidence.